The following is an entry in ClinVar:

ClinVar aggregate classification (germline): Conflicting classifications of pathogenicity. Review status: criteria provided, conflicting classifications (1 of 4 stars). 3 submissions from 3 submitters: Likely pathogenic (1); Uncertain significance (2). Last evaluated 2023-03-23.

Conditions:
Fibrotic kidney disease.
Nephronophthisis. Also called: Juvenile Nephronophthisis. Identifiers: Orphanet 655, MedGen C0687120, MONDO:0019005, HP:0000090.

Allele frequency attached by ClinVar (database versions not stated): gnomAD exomes below 0.00001 and 0.00001; TOPMed below 0.00001; gnomAD 0.00001.
gnomAD v4.1: 5 of 1,613,984 alleles (0.00031%); highest among the groups gnomAD compares: Non-Finnish European, 0.00042%; no homozygotes.

Submissions (3):

Oxford Medical Genetics Laboratories, Oxford University Hospitals NHS Foundation Trust
Classification: Likely pathogenic for Fibrotic kidney disease. Last evaluated: 2023-03-23. Review status: criteria provided, single submitter. Criteria: ACMG Guidelines, 2015. Collection method: clinical testing. Allele origin: germline. Affected: yes.

Labcorp Genetics (formerly Invitae), Labcorp
Classification: Uncertain significance for Nephronophthisis. Last evaluated: 2021-08-26. Review status: criteria provided, single submitter. Criteria: Invitae Variant Classification Sherloc (09022015). Collection method: clinical testing. Allele origin: germline.
Comment: This sequence change replaces leucine with proline at codon 1141 of the NPHP3 protein (p.Leu1141Pro). The leucine residue is highly conserved and there is a moderate physicochemical difference between leucine and proline. This variant is not present in population databases (ExAC no frequency). This missense change has been observed in individual(s) with clinical features of nephronophthisis (PMID: 12872122; Invitae). In at least one individual the data is consistent with the variant being in trans (on the opposite chromosome) from a pathogenic variant. ClinVar contains an entry for this variant (Variation ID: 381594). Algorithms developed to predict the effect of missense changes on protein structure and function (SIFT, PolyPhen-2, Align-GVGD) all suggest that this variant is likely to be disruptive. In summary, the available evidence is currently insufficient to determine the role of this variant in disease. Therefore, it has been classified as a Variant of Uncertain Significance.

GeneDx
Classification: Uncertain significance. Last evaluated: 2017-01-06. Review status: criteria provided, single submitter. Criteria: GeneDx Variant Classification (06012015). Collection method: clinical testing. Allele origin: germline. Affected: yes.
Comment: A variant of uncertain significance has been identified in the NPHP3 gene. The L1141P variant has been reported previously in the heterozygous state in two related individuals with nephronophthisis; however, a second NPHP3 variant was not identified in either individual (Olbrich et al., 2003). The L1141P variant is not observed in large population cohorts (Lek et al., 2016; 1000 Genomes Consortium et al., 2015; Exome Variant Server). The L1141P variant is a semi-conservative amino acid substitution, which may impact secondary protein structure as these residues differ in some properties. This substitution occurs at a position that is conserved across species, and in silico analysis predicts this variant is probably damaging to the protein structure/function. Therefore, based on the currently available information, it is unclear whether this variant is a pathogenic variant or a rare benign variant.

Literature cited by the submitters: PubMed 12872122 (cited by Labcorp Genetics (formerly Invitae), Labcorp).

NM_153240.5(NPHP3):c.3422T>C (p.Leu1141Pro)

Genes: NPHP3 (nephrocystin 3; minus strand), NPHP3-ACAD11 (NPHP3-ACAD11 readthrough (NMD candidate); minus strand). Cytogenetic location: 3q22.1.
Variant type: single nucleotide variant.
Coding change: c.3422T>C on transcript NM_153240.5 (MANE Select); coding-DNA position 3422, T replaced by C.
Protein change: p.Leu1141Pro; replaces leucine 1141 with proline.
Molecular consequence: missense variant. On other transcripts: non-coding transcript variant (1).
Genome position (GRCh38, 1-based): chr3:132,684,702, A>G on the plus strand (T>C on the coding strand, the complement: NPHP3 is on the minus strand). VCF-style: chr3-132684702-A-G. GRCh37 (hg19) VCF-style: chr3-132403546-A-G.
Other names: short protein forms L1141P.
Identifiers: ClinVar variation 381594 (VCV000381594.29), dbSNP rs1057521090, ClinGen allele CA16604473.